The following is an entry in ClinVar:

ClinVar aggregate classification (germline): Uncertain significance (1 of 4 stars; one submission).

Conditions:
Hereditary sensory and autonomic neuropathy type 6. Also called: HSAN VI; Neuropathy, hereditary sensory and autonomic, type VI. Identifiers: Orphanet 314381, MedGen C3539003, MONDO:0013839, OMIM 614653.
Epidermolysis bullosa simplex 3, localized or generalized intermediate, with BP230 deficiency (EBS3). Also called: Epidermolysis bullosa simplex, autosomal recessive 2; Epidermolysis bullosa simplex due to BP230 deficiency. Identifiers: Orphanet 412181, MedGen C3809470, MONDO:0014180, OMIM 615425.

Submission:

Labcorp Genetics (formerly Invitae), Labcorp
Classification: Uncertain significance for Epidermolysis bullosa simplex 3, localized or generalized intermediate, with BP230 deficiency; Hereditary sensory and autonomic neuropathy type 6. Last evaluated: 2021-04-14. Review status: criteria provided, single submitter. Criteria: Invitae Variant Classification Sherloc (09022015). Collection method: clinical testing. Allele origin: germline.
Comment: In summary, the available evidence is currently insufficient to determine the role of this variant in disease. Therefore, it has been classified as a Variant of Uncertain Significance. Algorithms developed to predict the effect of missense changes on protein structure and function (SIFT, PolyPhen-2, Align-GVGD) all suggest that this variant is likely to be tolerated, but these predictions have not been confirmed by published functional studies and their clinical significance is uncertain. This variant has not been reported in the literature in individuals with DST-related conditions. This variant is not present in population databases (ExAC no frequency). This sequence change replaces valine with isoleucine at codon 1349 of the DST protein (p.Val1349Ile). The valine residue is moderately conserved and there is a small physicochemical difference between valine and isoleucine.

NM_001723.7(DST):c.4045G>A (p.Val1349Ile)

Gene: DST (dystonin; minus strand). Cytogenetic location: 6p12.1.
Variant type: single nucleotide variant.
Coding change: c.4045G>A on transcript NM_001723.7 (MANE Plus Clinical); coding-DNA position 4045, G replaced by A.
Protein change: p.Val1349Ile; replaces valine 1349 with isoleucine.
Molecular consequence: missense variant. On other transcripts: intron variant (10).
Genome position (GRCh38, 1-based): chr6:56,619,989, C>T on the plus strand (G>A on the coding strand, the complement: DST is on the minus strand). VCF-style: chr6-56619989-C-T. GRCh37 (hg19) VCF-style: chr6-56484787-C-T.
Other names: c.4830+4541G>A (NM_001144769.5); c.4929+4541G>A (NM_001374722.1, NM_001374736.1); c.4956+4541G>A (NM_001374734.1); c.4416+4541G>A (NM_001144770.2); c.4296+4541G>A (NM_001374730.1, NM_001386100.1, NM_183380.4 and 1 more transcripts); c.3318+4541G>A (NM_015548.5); short protein forms V1349I.
Identifiers: ClinVar variation 1345229 (VCV001345229.8), dbSNP rs2152738771, ClinGen allele CA364570546.